The following is an entry in ClinVar:

ClinVar aggregate classification (germline): Uncertain significance (1 of 4 stars; one submission).

Conditions:
Renal cell carcinoma. Identifiers: Orphanet 217071, MedGen C0007134, MeSH D002292, MONDO:0005086, HP:0005584.

Submission:

Labcorp Genetics (formerly Invitae), Labcorp
Classification: Uncertain significance for Renal cell carcinoma. Last evaluated: 2025-06-02. Review status: criteria provided, single submitter. Criteria: Invitae Variant Classification Sherloc (09022015). Collection method: clinical testing. Allele origin: germline.
Comment: This sequence change affects an acceptor splice site in intron 12 of the MET gene. It is expected to disrupt RNA splicing. Variants that disrupt the donor or acceptor splice site typically lead to a loss of protein function (PMID: 16199547), however the current clinical and genetic evidence is not sufficient to establish whether loss-of-function variants in MET cause disease. This variant is not present in population databases (gnomAD no frequency). This variant has not been reported in the literature in individuals affected with MET-related conditions. Algorithms developed to predict the effect of sequence changes on RNA splicing suggest that this variant may disrupt the consensus splice site. In summary, the available evidence is currently insufficient to determine the role of this variant in disease. Therefore, it has been classified as a Variant of Uncertain Significance.

Literature cited by the submitters: PubMed 16199547.

NM_000245.4(MET):c.2731-1G>A

Gene: MET (MET proto-oncogene, receptor tyrosine kinase; plus strand). Cytogenetic location: 7q31.2.
Variant type: single nucleotide variant.
Coding change: c.2731-1G>A on transcript NM_000245.4 (MANE Select); the canonical splice acceptor site of the intron before coding-DNA position 2731, G replaced by A.
Molecular consequence: splice acceptor variant.
Genome position (GRCh38, 1-based): chr7:116,771,497, G>A. VCF-style: chr7-116771497-G-A. GRCh37 (hg19) VCF-style: chr7-116411551-G-A.
Other names: c.2785-1G>A (NM_001127500.3); c.1441-1G>A (NM_001324402.2).
Identifiers: ClinVar variation 4767987 (VCV004767987.1).